The following is an entry in ClinVar:

ClinVar aggregate classification (germline): Uncertain significance (1 of 4 stars; one submission).

Conditions:
Hereditary cancer-predisposing syndrome. Also called: Neoplastic Syndromes, Hereditary; Tumor predisposition; Hereditary Cancer Syndrome; Hereditary neoplastic syndrome. Identifiers: Orphanet 140162, MedGen C0027672, MeSH D009386, MONDO:0015356.

gnomAD v4.1: 1 of 1,612,270 alleles (0.000062%); highest among the groups gnomAD compares: East Asian, 0.0022%; no homozygotes.

Submission:

Ambry Genetics
Classification: Uncertain significance for Hereditary cancer-predisposing syndrome. Last evaluated: 2026-05-21. Review status: criteria provided, single submitter. Criteria: Ambry Variant Classification Scheme 2023. Collection method: clinical testing. Allele origin: germline.
Comment: The p.L214V variant (also known as c.640C>G), located in coding exon 4 of the PDGFRA gene, results from a C to G substitution at nucleotide position 640. The leucine at codon 214 is replaced by valine, an amino acid with highly similar properties. This amino acid position is conserved. In addition, this alteration is predicted to be tolerated by in silico analysis. Based on the available evidence, the clinical significance of this variant remains unclear.

NM_006206.6(PDGFRA):c.640C>G (p.Leu214Val)

Gene: PDGFRA (platelet derived growth factor receptor alpha; plus strand). Cytogenetic location: 4q12.
Variant type: single nucleotide variant.
Coding change: c.640C>G on transcript NM_006206.6 (MANE Select); coding-DNA position 640, C replaced by G.
Protein change: p.Leu214Val; replaces leucine 214 with valine.
Molecular consequence: missense variant.
Genome position (GRCh38, 1-based): chr4:54,264,930, C>G. VCF-style: chr4-54264930-C-G. GRCh37 (hg19) VCF-style: chr4-55131097-C-G.
Other names: c.640C>G, p.Leu214Val (NM_001347827.2, NM_001347829.2); c.715C>G, p.Leu239Val (NM_001347828.2); c.679C>G, p.Leu227Val (NM_001347830.2); short protein forms L214V, L227V, L239V.
Identifiers: ClinVar variation 4861750 (VCV004861750.1).